The following is an entry in ClinVar:

NM_000548.5(TSC2):c.22G>C (p.Asp8His)

Gene: TSC2 (TSC complex subunit 2; plus strand). Cytogenetic location: 16p13.3.
Variant type: single nucleotide variant.
Coding change: c.22G>C on transcript NM_000548.5 (MANE Select); coding-DNA position 22, G replaced by C.
Protein change: p.Asp8His; replaces aspartic acid 8 with histidine.
Molecular consequence: missense variant. On other transcripts: 5 prime UTR variant (19), non-coding transcript variant (5), intron variant (6).
Genome position (GRCh38, 1-based): chr16:2,048,637, G>C. VCF-style: chr16-2048637-G-C. GRCh37 (hg19) VCF-style: chr16-2098638-G-C.
Other names: c.-1410G>C (NM_001406697.1, NM_001406689.1, NM_001406690.1 and 2 more transcripts); c.-1586G>C (NM_001406698.1); c.22G>C, p.Asp8His (NM_021055.3, NM_001077183.3, NM_001114382.3 and 13 more transcripts); c.-10+572G>C (NM_001406677.1, NM_001406675.1, NM_001406676.1 and 2 more transcripts); c.-89+572G>C (NM_001406686.1); c.-205G>C (NM_001318831.2, NM_001406682.1, NM_001406684.1 and 2 more transcripts); c.55G>C, p.Asp19His (NM_001318832.2); c.-795G>C (NM_001406680.1, NM_001406683.1, NM_001406687.1); and 4 more; short protein forms D19H, D8H.
Identifiers: ClinVar variation 3974667 (VCV003974667.1).

ClinVar aggregate classification (germline): Uncertain significance (1 of 4 stars; one submission).

Conditions:
Hereditary cancer-predisposing syndrome. Also called: Tumor predisposition; Hereditary neoplastic syndrome; Hereditary Cancer Syndrome; Neoplastic Syndromes, Hereditary. Identifiers: Orphanet 140162, MedGen C0027672, MeSH D009386, MONDO:0015356.

Submission:

Ambry Genetics
Classification: Uncertain significance for Hereditary cancer-predisposing syndrome. Last evaluated: 2025-04-20. Review status: criteria provided, single submitter. Criteria: Ambry Variant Classification Scheme 2023. Collection method: clinical testing. Allele origin: germline.
Comment: The p.D8H variant (also known as c.22G>C), located in coding exon 1 of the TSC2 gene, results from a G to C substitution at nucleotide position 22. The aspartic acid at codon 8 is replaced by histidine, an amino acid with similar properties. This amino acid position is conserved. In addition, the in silico prediction for this alteration is inconclusive. Based on the available evidence, the clinical significance of this variant remains unclear.